The following is an entry in ClinVar:

NM_020975.6(RET):c.626-4G>A

Gene: RET (ret proto-oncogene; plus strand). Cytogenetic location: 10q11.21.
Variant type: single nucleotide variant.
Coding change: c.626-4G>A on transcript NM_020975.6 (MANE Select); 4 bases into the intron before coding-DNA position 626, G replaced by A.
Molecular consequence: intron variant. On other transcripts: 5 prime UTR variant (1).
Genome position (GRCh38, 1-based): chr10:43,104,948, G>A. VCF-style: chr10-43104948-G-A. GRCh37 (hg19) VCF-style: chr10-43600396-G-A.
Other names: c.-141G>A (NM_001355216.2); c.626-4G>A (NM_020630.7, NM_001406743.1, NM_001406744.1 and 6 more transcripts); c.625+2319G>A (NM_001406773.1, NM_001406771.1, NM_001406782.1 and 5 more transcripts); c.497-4G>A (NM_001406764.1, NM_001406762.1, NM_001406761.1 and 2 more transcripts); c.496+2319G>A (NM_001406786.1, NM_001406783.1); c.338-4G>A (NM_001406770.1, NM_001406766.1, NM_001406767.1); c.338-4083G>A (NM_001406778.1, NM_001406775.1, NM_001406776.1 and 1 more transcripts); c.337+4226G>A (NM_001406790.1, NM_001406788.1, NM_001406789.1 and 1 more transcripts); and 2 more.
Identifiers: ClinVar variation 413455 (VCV000413455.34), dbSNP rs775956924, ClinGen allele CA044385.
Genomic context (GRCh38, chr10:43,104,948, plus strand): 5'-AGGAAAGCGGCTGGCCCGGTCCCGGCTGGTGATCACGCGGGGCCCCTGTCTGCTTGGTGC[G>A]CAGGTGAGGGTCTGCCCTTCCGCTGCGCCCCGGACAGCCTGGAGGTGAGCACGCGCTGGG-3'

ClinVar aggregate classification (germline): Conflicting classifications of pathogenicity. Review status: criteria provided, conflicting classifications (1 of 4 stars). 6 submissions from 6 submitters: Uncertain significance (1); Benign (1); Likely benign (3). 1 of the submissions does not count toward it. Last evaluated 2026-01-06.

Conditions:
RET-related disorder. Also called: RET-related disorders; RET-related condition; RET-related disease.
Hereditary cancer-predisposing syndrome. Also called: Neoplastic Syndromes, Hereditary; Tumor predisposition; Hereditary Cancer Syndrome; Hereditary neoplastic syndrome. Identifiers: Orphanet 140162, MedGen C0027672, MeSH D009386, MONDO:0015356.
Multiple endocrine neoplasia, type 2 (MEN2). Identifiers: Orphanet 653, MedGen C4048306, MONDO:0019003. Disease mechanism: gain of function.
Multiple endocrine neoplasia type 2A. Also called: MULTIPLE ENDOCRINE NEOPLASIA, TYPE IIA; PTC SYNDROME; SIPPLE SYNDROME; MEN 2A; MEN-2A syndrome; Pheochromocytoma and amyloid producing medullary thyroid carcinoma. Identifiers: Orphanet 247698, Orphanet 653, MedGen C0025268, MeSH D018813, MONDO:0008234, OMIM 171400.

Allele frequency attached by ClinVar (database versions not stated): gnomAD exomes 0.00001 and 0.00002; TOPMed 0.00002; gnomAD 0.00003; ExAC 0.00004.

Submissions (6):

Labcorp Genetics (formerly Invitae), Labcorp
Classification: Likely benign for Multiple endocrine neoplasia, type 2. Last evaluated: 2026-01-06. Review status: criteria provided, single submitter. Criteria: Invitae Variant Classification Sherloc (09022015). Collection method: clinical testing. Allele origin: germline.

Blueprint Genetics
Classification: Likely benign. Last evaluated: 2024-09-02. Review status: criteria provided, single submitter. Criteria: ACMG Guidelines, 2015. Collection method: clinical testing. Allele origin: germline.

Ambry Genetics
Classification: Benign for Hereditary cancer-predisposing syndrome. Last evaluated: 2023-06-06. Review status: criteria provided, single submitter. Criteria: Ambry Variant Classification Scheme 2023. Collection method: clinical testing. Allele origin: germline.

Color Diagnostics, LLC DBA Color Health
Classification: Likely benign for Multiple endocrine neoplasia, type 2. Last evaluated: 2023-01-27. Review status: criteria provided, single submitter. Criteria: ACMG Guidelines, 2015. Collection method: clinical testing. Allele origin: germline.

Department of Pathology and Laboratory Medicine, Sinai Health System
Classification: Uncertain significance for multiple endocrine neoplasia type 2A. Last evaluated: 2022-09-08. Review status: criteria provided, single submitter. Criteria: ACMG Guidelines, 2015. Collection method: clinical testing. Allele origin: germline. Affected: yes.

PreventionGenetics, part of Exact Sciences
Classification: Likely benign for RET-related condition. Last evaluated: 2019-03-05. Review status: no assertion criteria provided. Collection method: clinical testing. Allele origin: germline. Not counted in ClinVar's aggregate classification.
Comment: This variant is classified as likely benign based on ACMG/AMP sequence variant interpretation guidelines (Richards et al. 2015 PMID: 25741868, with internal and published modifications).